The following is an entry in ClinVar:

NM_213595.4(ISCU):c.309A>G (p.Ser103=)

Gene: ISCU (iron-sulfur cluster assembly enzyme; plus strand). Cytogenetic location: 12q23.3.
Variant type: single nucleotide variant.
Coding change: c.309A>G on transcript NM_213595.4 (MANE Select); coding-DNA position 309, A replaced by G.
Protein change: p.Ser103=; no amino-acid change (serine 103 retained).
Molecular consequence: synonymous variant. On other transcripts: non-coding transcript variant (1).
Genome position (GRCh38, 1-based): chr12:108,565,401, A>G. VCF-style: chr12-108565401-A-G. GRCh37 (hg19) VCF-style: chr12-108959177-A-G.
Other names: p.Ser103=; c.309A>G (NM_213595.3); c.309A>G, p.Ser103= (NM_001301140.1, NM_001301141.1, NM_001320042.1); c.234A>G, p.Ser78= (NM_014301.4).
Identifiers: ClinVar variation 1918263 (VCV001918263.6), dbSNP rs779222545, ClinGen allele CA6768821.

ClinVar aggregate classification (germline): Likely benign. Review status: criteria provided, multiple submitters, no conflicts (2 of 4 stars). 2 submissions from 2 submitters: Likely benign (2). Last evaluated 2025-12-07.

Allele frequency attached by ClinVar (database versions not stated): ExAC 0.00001; gnomAD 0.00002; TOPMed 0.00002; gnomAD exomes 0.00006.
gnomAD v4.1: 90 of 1,613,586 alleles (0.0056%); highest among the groups gnomAD compares: Non-Finnish European, 0.0075%; no homozygotes.

Submissions (2):

Mayo Clinic Laboratories, Mayo Clinic
Classification: Likely benign. Last evaluated: 2025-12-07. Review status: criteria provided, single submitter. Criteria: ACMG Guidelines, 2015. Collection method: clinical testing. Allele origin: germline. Observed: 1 variant allele.
Comment: BP4, BP7

Labcorp Genetics (formerly Invitae), Labcorp
Classification: Likely benign. Last evaluated: 2021-12-19. Review status: criteria provided, single submitter. Criteria: Invitae Variant Classification Sherloc (09022015). Collection method: clinical testing. Allele origin: germline.